The following is an entry in ClinVar:

ClinVar aggregate classification (germline): Uncertain significance (1 of 4 stars; one submission).

Conditions:
Kleefstra syndrome 1 (KLEFS1). Identifiers: Orphanet 261494, MedGen C0795833, MONDO:0027407, OMIM 610253.

gnomAD v4.1: 1 of 1,614,192 alleles (0.000062%); highest among the groups gnomAD compares: Non-Finnish European, 0.000085%; no homozygotes.

Submission:

Labcorp Genetics (formerly Invitae), Labcorp
Classification: Uncertain significance for Kleefstra syndrome 1. Last evaluated: 2024-06-26. Review status: criteria provided, single submitter. Criteria: Invitae Variant Classification Sherloc (09022015). Collection method: clinical testing. Allele origin: germline.
Comment: This sequence change replaces isoleucine, which is neutral and non-polar, with methionine, which is neutral and non-polar, at codon 237 of the EHMT1 protein (p.Ile237Met). This variant is not present in population databases (gnomAD no frequency). This variant has not been reported in the literature in individuals affected with EHMT1-related conditions. Advanced modeling of protein sequence and biophysical properties (such as structural, functional, and spatial information, amino acid conservation, physicochemical variation, residue mobility, and thermodynamic stability) performed at Invitae indicates that this missense variant is not expected to disrupt EHMT1 protein function with a negative predictive value of 80%. In summary, the available evidence is currently insufficient to determine the role of this variant in disease. Therefore, it has been classified as a Variant of Uncertain Significance.

NM_024757.5(EHMT1):c.711C>G (p.Ile237Met)

Gene: EHMT1 (euchromatic histone lysine methyltransferase 1; plus strand). Cytogenetic location: 9q34.3.
Variant type: single nucleotide variant.
Coding change: c.711C>G on transcript NM_024757.5 (MANE Select); coding-DNA position 711, C replaced by G.
Protein change: p.Ile237Met; replaces isoleucine 237 with methionine.
Molecular consequence: missense variant.
Genome position (GRCh38, 1-based): chr9:137,728,417, C>G. VCF-style: chr9-137728417-C-G. GRCh37 (hg19) VCF-style: chr9-140622869-C-G.
Other names: c.711C>G, p.Ile237Met (NM_001145527.2, NM_001354263.2, NM_001354611.2); c.618C>G, p.Ile206Met (NM_001354259.2, NM_001354612.2); short protein forms I237M, I206M.
Identifiers: ClinVar variation 3680640 (VCV003680640.2).